The following is an entry in ClinVar:

NM_000702.4(ATP1A2):c.2486T>C (p.Met829Thr)

Gene: ATP1A2 (ATPase Na+/K+ transporting subunit alpha 2; plus strand). Cytogenetic location: 1q23.2.
Variant type: single nucleotide variant.
Coding change: c.2486T>C on transcript NM_000702.4 (MANE Select); coding-DNA position 2486, T replaced by C.
Protein change: p.Met829Thr; replaces methionine 829 with threonine.
Molecular consequence: missense variant.
Genome position (GRCh38, 1-based): chr1:160,136,293, T>C. VCF-style: chr1-160136293-T-C. GRCh37 (hg19) VCF-style: chr1-160106083-T-C.
Other names: short protein forms M829T.
Identifiers: ClinVar variation 3075680 (VCV003075680.2), dbSNP rs1570995017, ClinGen allele CA343251371.

ClinVar aggregate classification (germline): Conflicting classifications of pathogenicity. Review status: criteria provided, conflicting classifications (1 of 4 stars). 2 submissions from 2 submitters: Likely pathogenic (1); Uncertain significance (1). Last evaluated 2025-02-12.

Conditions:
Familial hemiplegic migraine. Identifiers: MedGen C0338484, MONDO:0000700.
Migraine, familial hemiplegic, 2. Identifiers: Orphanet 569, MedGen C1865322, MONDO:0011232, OMIM 602481.

Submissions (2):

Labcorp Genetics (formerly Invitae), Labcorp
Classification: Uncertain significance for Familial hemiplegic migraine. Last evaluated: 2025-02-12. Review status: criteria provided, single submitter. Criteria: Invitae Variant Classification Sherloc (09022015). Collection method: clinical testing. Allele origin: germline.
Comment: This sequence change replaces methionine, which is neutral and non-polar, with threonine, which is neutral and polar, at codon 829 of the ATP1A2 protein (p.Met829Thr). This variant is not present in population databases (gnomAD no frequency). This variant has not been reported in the literature in individuals affected with ATP1A2-related conditions. ClinVar contains an entry for this variant (Variation ID: 3075680). Invitae Evidence Modeling of protein sequence and biophysical properties (such as structural, functional, and spatial information, amino acid conservation, physicochemical variation, residue mobility, and thermodynamic stability) indicates that this missense variant is expected to disrupt ATP1A2 protein function with a positive predictive value of 80%. This variant disrupts the p.Met829 amino acid residue in ATP1A2. Other variant(s) that disrupt this residue have been determined to be pathogenic (PMID: 16088919, 18728015, 24704353). This suggests that this residue is clinically significant, and that variants that disrupt this residue are likely to be disease-causing. In summary, the available evidence is currently insufficient to determine the role of this variant in disease. Therefore, it has been classified as a Variant of Uncertain Significance.

Genomic Medicine Lab, University of California San Francisco
Classification: Likely pathogenic for Migraine, familial hemiplegic, 2. Last evaluated: 2023-10-13. Review status: criteria provided, single submitter. Criteria: ACMG Guidelines, 2015. Collection method: clinical testing. Allele origin: unknown. Affected: no.

Literature cited by the submitters: PubMed 16088919 (cited by Labcorp Genetics (formerly Invitae), Labcorp); PubMed 18728015 (cited by Labcorp Genetics (formerly Invitae), Labcorp); PubMed 24704353 (cited by Labcorp Genetics (formerly Invitae), Labcorp).